The following is an entry in ClinVar:

NM_001206927.2(DNAH8):c.8761G>T (p.Glu2921Ter)

Gene: DNAH8 (dynein axonemal heavy chain 8; plus strand). Cytogenetic location: 6p21.2.
Variant type: single nucleotide variant.
Coding change: c.8761G>T on transcript NM_001206927.2 (MANE Select); coding-DNA position 8761, G replaced by T.
Protein change: p.Glu2921Ter; replaces glutamic acid 2921 with a stop codon.
Molecular consequence: nonsense.
Genome position (GRCh38, 1-based): chr6:38,896,046, G>T. VCF-style: chr6-38896046-G-T. GRCh37 (hg19) VCF-style: chr6-38863822-G-T.
Other names: c.8110G>T, p.Glu2704Ter (NM_001371.4); short protein forms E2704*, E2921*.
Identifiers: ClinVar variation 3021104 (VCV003021104.3), dbSNP rs369304378, ClinGen allele CA3790309.
Genomic context (GRCh38, chr6:38,896,046, plus strand): 5'-AAGATGCTTTCATATTTAACATTCTTACTACTACATTTTCCTTTCAGATTTATAACTCCT[G>T]AAGATGAGCAGTGGTTTAATGCACATCTTACTCGTGCAGTTGAAGAAAATATTGGCTCTG-3'

ClinVar aggregate classification (germline): Pathogenic (1 of 4 stars; one submission).

Conditions:
Primary ciliary dyskinesia. Also called: Ciliary dyskinesia. Identifiers: Orphanet 244, MedGen C0008780, MONDO:0016575, HP:0012265.

Allele frequency attached by ClinVar (database versions not stated): gnomAD 0.00001; TOPMed 0.00002; ESP Exome Variant Server 0.00008; ExAC 0.00001.
gnomAD v4.1: 7 of 1,611,128 alleles (0.00043%); highest among the groups gnomAD compares: Non-Finnish European, 0.00059%; no homozygotes.

Submission:

Labcorp Genetics (formerly Invitae), Labcorp
Classification: Pathogenic for Primary ciliary dyskinesia. Last evaluated: 2024-09-20. Review status: criteria provided, single submitter. Criteria: Invitae Variant Classification Sherloc (09022015). Collection method: clinical testing. Allele origin: germline.
Comment: This sequence change creates a premature translational stop signal (p.Glu2921*) in the DNAH8 gene. It is expected to result in an absent or disrupted protein product. Loss-of-function variants in DNAH8 are known to be pathogenic (PMID: 24307375, 32619401, 32681648). This variant is present in population databases (rs369304378, gnomAD 0.002%). This variant has not been reported in the literature in individuals affected with DNAH8-related conditions. For these reasons, this variant has been classified as Pathogenic.

Literature cited by the submitters: PubMed 24307375; PubMed 32619401; PubMed 32681648.